The following is an entry in ClinVar:

NM_032141.4(NSRP1):c.52C>T (p.Gln18Ter)

Gene: NSRP1 (nuclear speckle splicing regulatory protein 1; plus strand). Cytogenetic location: 17q11.2.
Variant type: single nucleotide variant.
Coding change: c.52C>T on transcript NM_032141.4 (MANE Select); coding-DNA position 52, C replaced by T.
Protein change: p.Gln18Ter; replaces glutamine 18 with a stop codon.
Molecular consequence: nonsense. On other transcripts: intron variant (1).
Genome position (GRCh38, 1-based): chr17:30,118,111, C>T. VCF-style: chr17-30118111-C-T. GRCh37 (hg19) VCF-style: chr17-28445129-C-T.
Other names: c.52C>T (NM_032141.3); c.-49+1248C>T (NM_001261467.2); short protein forms Q18*.
Identifiers: ClinVar variation 1047907 (VCV001047907.5), dbSNP rs2151869859, ClinGen allele CA398912904.

ClinVar aggregate classification (germline): Conflicting classifications of pathogenicity. Review status: criteria provided, conflicting classifications (1 of 4 stars). 4 submissions from 4 submitters: Pathogenic (1); Uncertain significance (1). 2 of the submissions do not count toward it. Last evaluated 2019-07-21.

Conditions:
Seizure. Also called: Seizures. Identifiers: MedGen C0036572, HP:0001250.
Spasticity. Identifiers: MedGen C0026838, HP:0001257.
Microcephaly. Also called: Microcephaly (disease). Identifiers: MedGen C4551563, MONDO:0001149, HP:0000252.
Severe global developmental delay. Also called: Severe psychomotor retardation. Identifiers: MedGen C1837397, HP:0011344.
Neurodevelopmental disorder with spasticity, seizures, and brain abnormalities (NEDSSBA). Identifiers: MedGen C5774197, MONDO:0859275, OMIM 620001.

Submissions (4):

GeneDx
Classification: Uncertain significance. Last evaluated: 2019-07-21. Review status: criteria provided, single submitter. Criteria: GeneDx Variant Classification Process June 2021. Collection method: clinical testing. Allele origin: germline. Affected: yes.
Comment: Not observed in large population cohorts (Lek et al., 2016); Nonsense variant predicted to result in protein truncation or nonsense mediated decay in a gene for which loss-of-function is not a known mechanism of disease; Has not been previously published as pathogenic or benign to our knowledge; Variants in candidate genes are classified as variants of uncertain significance in accordance with ACMG guidelines (Richards et al., 2015)

Clinical Genetics Service, Universitary Hospital 12 de Octubre
Classification: Pathogenic for Neurodevelopmental disorder with spasticity, seizures, and brain abnormalities. Review status: criteria provided, single submitter. Criteria: ACMG Guidelines, 2015. Collection method: clinical testing. Allele origin: germline. Affected: yes.

OMIM
Classification: Pathogenic for NEURODEVELOPMENTAL DISORDER WITH SPASTICITY, SEIZURES, AND BRAIN ABNORMALITIES. Last evaluated: 2022-08-18. Review status: no assertion criteria provided. Collection method: literature only. Allele origin: germline. Not counted in ClinVar's aggregate classification.

Lupski Lab, Baylor-Hopkins CMG, Baylor College of Medicine
Classification: Pathogenic for Severe global developmental delay; Spasticity; Seizure; Microcephaly. Last evaluated: 2021-01-10. Review status: no assertion criteria provided. Collection method: research. Allele origin: inherited. Affected: yes. Observed: 3 variant alleles. Not counted in ClinVar's aggregate classification.

Literature cited by the submitters: PubMed 34385670 (cited by OMIM).